The following is an entry in ClinVar:

NM_015602.4(TOR1AIP1):c.334A>T (p.Arg112Trp)

Genes: TOR1AIP1 (torsin 1A interacting protein 1; plus strand), LOC112577517 (Sharpr-MPRA regulatory region 13766; plus strand). Cytogenetic location: 1q25.2.
Variant type: single nucleotide variant.
Coding change: c.334A>T on transcript NM_015602.4 (MANE Select); coding-DNA position 334, A replaced by T.
Protein change: p.Arg112Trp; replaces arginine 112 with tryptophan.
Molecular consequence: missense variant.
Genome position (GRCh38, 1-based): chr1:179,882,836, A>T. VCF-style: chr1-179882836-A-T. GRCh37 (hg19) VCF-style: chr1-179851971-A-T.
Other names: c.334A>T, p.Arg112Trp (NM_001267578.2); short protein forms R112W.
Identifiers: ClinVar variation 3377841 (VCV003377841.1).

ClinVar aggregate classification (germline): Uncertain significance (1 of 4 stars; one submission).

gnomAD v4.1: 1 of 1,614,190 alleles (0.000062%); no homozygotes.

Submission:

GeneDx
Classification: Uncertain significance. Last evaluated: 2024-05-15. Review status: criteria provided, single submitter. Criteria: GeneDx Variant Classification Process June 2021. Collection method: clinical testing. Allele origin: germline. Affected: yes.
Comment: Not observed at significant frequency in large population cohorts (gnomAD); In silico analysis supports that this missense variant has a deleterious effect on protein structure/function; Has not been previously published as pathogenic or benign to our knowledge